The following is an entry in ClinVar:

NM_000059.4(BRCA2):c.1835A>T (p.Glu612Val)

Gene: BRCA2 (BRCA2 DNA repair associated; plus strand). Cytogenetic location: 13q13.1.
Variant type: single nucleotide variant.
Coding change: c.1835A>T on transcript NM_000059.4 (MANE Select); coding-DNA position 1835, A replaced by T.
Protein change: p.Glu612Val; replaces glutamic acid 612 with valine.
Molecular consequence: missense variant.
Genome position (GRCh38, 1-based): chr13:32,333,313, A>T. VCF-style: chr13-32333313-A-T. GRCh37 (hg19) VCF-style: chr13-32907450-A-T.
Other names: c.1835A>T, p.Glu612Val (NM_001406719.1, NM_001406720.1, NM_001406721.1); short protein forms E612V.
Identifiers: ClinVar variation 1781029 (VCV001781029.7), dbSNP rs2137475426, ClinGen allele CA387766211.

ClinVar aggregate classification (germline): Conflicting classifications of pathogenicity. Review status: criteria provided, conflicting classifications (1 of 4 stars). 4 submissions from 4 submitters: Uncertain significance (3); Likely benign (1). Last evaluated 2023-03-23.

Conditions:
Breast-ovarian cancer, familial, susceptibility to, 2 (BROVCA2). Also called: BRCA2 Hereditary Breast and Ovarian Cancer. Identifiers: Orphanet 145, MedGen C2675520, MONDO:0012933, OMIM 612555. Disease mechanism: loss of function.
Hereditary cancer-predisposing syndrome. Also called: Tumor predisposition; Neoplastic Syndromes, Hereditary; Hereditary Cancer Syndrome; Hereditary neoplastic syndrome. Identifiers: Orphanet 140162, MedGen C0027672, MeSH D009386, MONDO:0015356.

Allele frequency attached by ClinVar (database versions not stated): gnomAD exomes below 0.00001.
gnomAD v4.1: 2 of 1,607,222 alleles (0.00012%); highest among the groups gnomAD compares: Non-Finnish European, 0.00017%; no homozygotes.

Submissions (4):

University of Washington Department of Laboratory Medicine, University of Washington
Classification: Likely benign for Hereditary cancer-predisposing syndrome. Last evaluated: 2023-03-23. Review status: criteria provided, single submitter. Criteria: Dines et al. (Genet Med. 2020). Collection method: curation. Allele origin: germline.
Comment: Missense variant in a coldspot region where missense variants are very unlikely to be pathogenic (PMID:31911673).

BRCA2 exon 10 coldspot. Reclassification based on statistical prior probability.

All of Us Research Program, National Institutes of Health
Classification: Uncertain significance for Breast-ovarian cancer, familial, susceptibility to, 2. Last evaluated: 2023-03-04. Review status: criteria provided, single submitter. Criteria: ACMG Guidelines, 2015. Collection method: clinical testing. Allele origin: germline. Inheritance: Autosomal dominant inheritance. Observed: 1 variant allele, 1 heterozygote.
Comment: This missense variant replaces glutamic acid with valine at codon 612 of the BRCA2 protein. Computational prediction suggests that this variant may not impact protein structure and function (internally defined REVEL score threshold <= 0.5, PMID: 27666373). To our knowledge, functional studies have not been reported for this variant. This variant has not been reported in individuals affected with hereditary cancer in the literature. This variant has not been identified in the general population by the Genome Aggregation Database (gnomAD). The available evidence is insufficient to determine the role of this variant in disease conclusively. Therefore, this variant is classified as a Variant of Uncertain Significance.

This study involves interpretation of variants in research participants for the purpose of population health screening. Participant phenotype was not available at the time of variant classification. Additional details can be found in publication PMID: 35346344, PMCID: PMC8962531

Color Diagnostics, LLC DBA Color Health
Classification: Uncertain significance for Hereditary cancer-predisposing syndrome. Last evaluated: 2021-10-04. Review status: criteria provided, single submitter. Criteria: ACMG Guidelines, 2015. Collection method: clinical testing. Allele origin: germline.
Comment: This missense variant replaces glutamic acid with valine at codon 612 of the BRCA2 protein. Computational prediction suggests that this variant may not impact protein structure and function (internally defined REVEL score threshold <= 0.5, PMID: 27666373). To our knowledge, functional studies have not been reported for this variant. This variant has not been reported in individuals affected with hereditary cancer in the literature. This variant has not been identified in the general population by the Genome Aggregation Database (gnomAD). The available evidence is insufficient to determine the role of this variant in disease conclusively. Therefore, this variant is classified as a Variant of Uncertain Significance.

Ambry Genetics
Classification: Uncertain significance for Hereditary cancer-predisposing syndrome. Last evaluated: 2020-03-17. Review status: criteria provided, single submitter. Criteria: Ambry Variant Classification Scheme 2023. Collection method: clinical testing. Allele origin: germline.
Comment: The p.E612V variant (also known as c.1835A>T), located in coding exon 9 of the BRCA2 gene, results from an A to T substitution at nucleotide position 1835. The glutamic acid at codon 612 is replaced by valine, an amino acid with dissimilar properties. This amino acid position is not well conserved in available vertebrate species. In addition, this alteration is predicted to be tolerated by in silico analysis. Since supporting evidence is limited at this time, the clinical significance of this alteration remains unclear.